The following is an entry in ClinVar:

ClinVar aggregate classification (germline): Uncertain significance (1 of 4 stars; one submission).

Allele frequency attached by ClinVar (database versions not stated): gnomAD exomes below 0.00001; ExAC 0.00001; TOPMed 0.00001.
gnomAD v4.1: 4 of 1,606,956 alleles (0.00025%); highest among the groups gnomAD compares: Non-Finnish European, 0.00034%; no homozygotes.

Submission:

Labcorp Genetics (formerly Invitae), Labcorp
Classification: Uncertain significance. Last evaluated: 2022-06-20. Review status: criteria provided, single submitter. Criteria: Invitae Variant Classification Sherloc (09022015). Collection method: clinical testing. Allele origin: germline.
Comment: This sequence change replaces leucine, which is neutral and non-polar, with histidine, which is basic and polar, at codon 818 of the CDHR1 protein (p.Leu818His). This variant is present in population databases (rs780933821, gnomAD 0.0009%). This variant has not been reported in the literature in individuals affected with CDHR1-related conditions. Advanced modeling of protein sequence and biophysical properties (such as structural, functional, and spatial information, amino acid conservation, physicochemical variation, residue mobility, and thermodynamic stability) performed at Invitae indicates that this missense variant is not expected to disrupt CDHR1 protein function. In summary, the available evidence is currently insufficient to determine the role of this variant in disease. Therefore, it has been classified as a Variant of Uncertain Significance.

NM_033100.4(CDHR1):c.2453T>A (p.Leu818His)

Gene: CDHR1 (cadherin related family member 1; plus strand). Cytogenetic location: 10q23.1.
Variant type: single nucleotide variant.
Coding change: c.2453T>A on transcript NM_033100.4 (MANE Select); coding-DNA position 2453, T replaced by A.
Protein change: p.Leu818His; replaces leucine 818 with histidine.
Molecular consequence: missense variant. On other transcripts: intron variant (1).
Genome position (GRCh38, 1-based): chr10:84,214,494, T>A. VCF-style: chr10-84214494-T-A. GRCh37 (hg19) VCF-style: chr10-85974250-T-A.
Other names: c.2040+1146T>A (NM_001171971.3); short protein forms L818H.
Identifiers: ClinVar variation 1399576 (VCV001399576.8), dbSNP rs780933821, ClinGen allele CA5580238.